The following is an entry in ClinVar:

NM_001394372.1(BICRA):c.2393G>A (p.Arg798Gln)

Gene: BICRA (BRD4 interacting chromatin remodeling complex associated protein; plus strand). Cytogenetic location: 19q13.33.
Variant type: single nucleotide variant.
Coding change: c.2393G>A on transcript NM_001394372.1 (MANE Select); coding-DNA position 2393, G replaced by A.
Protein change: p.Arg798Gln; replaces arginine 798 with glutamine.
Molecular consequence: missense variant.
Genome position (GRCh38, 1-based): chr19:47,694,224, G>A. VCF-style: chr19-47694224-G-A. GRCh37 (hg19) VCF-style: chr19-48197481-G-A.
Other names: c.2393G>A, p.Arg798Gln (NM_015711.3); short protein forms R798Q.
Identifiers: ClinVar variation 2650174 (VCV002650174.24), dbSNP rs1375457597, ClinGen allele CA406620353.

ClinVar aggregate classification (germline): Uncertain significance (1 of 4 stars; one submission).

Allele frequency attached by ClinVar (database versions not stated): gnomAD exomes 0.00001; gnomAD 0.00016.
gnomAD v4.1: 4 of 241,064 alleles (0.0017%); highest among the groups gnomAD compares: South Asian, 0.013%; no homozygotes.

Submission:

CeGaT Center for Human Genetics Tuebingen
Classification: Uncertain significance. Last evaluated: 2023-09-01. Review status: criteria provided, single submitter. Criteria: CeGaT Center For Human Genetics Tuebingen Variant Classification Criteria Version 2. Collection method: clinical testing. Allele origin: germline. Affected: yes. Observed: 1 variant allele.
Comment: BICRA: PM2